The following is an entry in ClinVar:

ClinVar aggregate classification (germline): Likely benign. Review status: criteria provided, multiple submitters, no conflicts (2 of 4 stars). 3 submissions from 3 submitters: Likely benign (2). 1 of the submissions does not count toward it. Last evaluated 2025-12-14.

Conditions:
PLXNA2-related disorder. Also called: PLXNA2-related condition.

Allele frequency attached by ClinVar (database versions not stated): 1000 Genomes Project 30x 0.00031; 1000 Genomes Project 0.00040; ExAC 0.00058; TOPMed 0.00058; gnomAD 0.00061 and 0.00064; gnomAD exomes 0.00061; ESP Exome Variant Server 0.00131.
gnomAD v4.1: 1,536 of 1,614,092 alleles (0.095%); highest among the groups gnomAD compares: Non-Finnish European, 0.12%; 2 homozygotes.

Submissions (3):

Labcorp Genetics (formerly Invitae), Labcorp
Classification: Likely benign. Last evaluated: 2025-12-14. Review status: criteria provided, single submitter. Criteria: Invitae Variant Classification Sherloc (09022015). Collection method: clinical testing. Allele origin: germline.

Breakthrough Genomics
Classification: Likely benign. Review status: criteria provided, single submitter. Criteria: ACMG Guidelines, 2015. Collection method: not provided. Allele origin: germline. Inheritance: Unknown mechanism. Affected: yes.

PreventionGenetics, part of Exact Sciences
Classification: Likely benign for PLXNA2-related condition. Last evaluated: 2021-06-07. Review status: no assertion criteria provided. Collection method: clinical testing. Allele origin: germline. Not counted in ClinVar's aggregate classification.
Comment: This variant is classified as likely benign based on ACMG/AMP sequence variant interpretation guidelines (Richards et al. 2015 PMID: 25741868, with internal and published modifications).

NM_025179.4(PLXNA2):c.5304C>T (p.Asp1768=)

Gene: PLXNA2 (plexin A2; minus strand). Cytogenetic location: 1q32.2.
Variant type: single nucleotide variant.
Coding change: c.5304C>T on transcript NM_025179.4 (MANE Select); coding-DNA position 5304, C replaced by T.
Protein change: p.Asp1768=; no amino-acid change (aspartic acid 1768 retained).
Molecular consequence: synonymous variant.
Genome position (GRCh38, 1-based): chr1:208,028,964, G>A on the plus strand (C>T on the coding strand, the complement: PLXNA2 is on the minus strand). VCF-style: chr1-208028964-G-A. GRCh37 (hg19) VCF-style: chr1-208202309-G-A.
Other names: c.5304C>T (NM_025179.3).
Identifiers: ClinVar variation 1660016 (VCV001660016.11), dbSNP rs144314864, ClinGen allele CA1372588.